The following is an entry in ClinVar:

NM_145167.3(PIGM):c.686T>C (p.Leu229Pro)

Gene: PIGM (phosphatidylinositol glycan anchor biosynthesis class M; minus strand). Cytogenetic location: 1q23.2.
Variant type: single nucleotide variant.
Coding change: c.686T>C on transcript NM_145167.3 (MANE Select); coding-DNA position 686, T replaced by C.
Protein change: p.Leu229Pro; replaces leucine 229 with proline.
Molecular consequence: missense variant.
Genome position (GRCh38, 1-based): chr1:160,031,054, A>G on the plus strand (T>C on the coding strand, the complement: PIGM is on the minus strand). VCF-style: chr1-160031054-A-G. GRCh37 (hg19) VCF-style: chr1-160000844-A-G.
Other names: short protein forms L229P.
Identifiers: ClinVar variation 1719666 (VCV001719666.6), dbSNP rs1254342593, ClinGen allele CA343240871.

ClinVar aggregate classification (germline): Uncertain significance (1 of 4 stars; one submission).

Conditions:
Hypercoagulability syndrome due to glycosylphosphatidylinositol deficiency (GPIBD1). Also called: GLYCOSYLPHOSPHATIDYLINOSITOL BIOSYNTHESIS DEFECT 1. Identifiers: Orphanet 83639, MedGen C5201145, MONDO:0012465, OMIM 610293.

Submission:

Labcorp Genetics (formerly Invitae), Labcorp
Classification: Uncertain significance for Hypercoagulability syndrome due to glycosylphosphatidylinositol deficiency. Last evaluated: 2026-01-12. Review status: criteria provided, single submitter. Criteria: Invitae Variant Classification Sherloc (09022015). Collection method: clinical testing. Allele origin: germline.
Comment: This sequence change replaces leucine, which is neutral and non-polar, with proline, which is neutral and non-polar, at codon 229 of the PIGM protein (p.Leu229Pro). This variant is not present in population databases (gnomAD no frequency). This variant has not been reported in the literature in individuals affected with PIGM-related conditions. ClinVar contains an entry for this variant (Variation ID: 1719666). Invitae Evidence Modeling of protein sequence and biophysical properties (such as structural, functional, and spatial information, amino acid conservation, physicochemical variation, residue mobility, and thermodynamic stability) indicates that this missense variant is expected to disrupt PIGM protein function with a positive predictive value of 80%. In summary, the available evidence is currently insufficient to determine the role of this variant in disease. Therefore, it has been classified as a Variant of Uncertain Significance.